The following is an entry in ClinVar:

NM_053025.4(MYLK):c.5742G>T (p.Glu1914Asp)

Genes: MYLK (myosin light chain kinase; minus strand), MYLK-AS1 (MYLK antisense RNA 1; plus strand). Cytogenetic location: 3q21.1.
Variant type: single nucleotide variant.
Coding change: c.5742G>T on transcript NM_053025.4 (MANE Select); coding-DNA position 5742, G replaced by T.
Protein change: p.Glu1914Asp; replaces glutamic acid 1914 with aspartic acid.
Molecular consequence: missense variant.
Genome position (GRCh38, 1-based): chr3:123,614,108, C>A on the plus strand (G>T on the coding strand, the complement: MYLK is on the minus strand). VCF-style: chr3-123614108-C-A. GRCh37 (hg19) VCF-style: chr3-123332955-C-A.
Other names: c.5214G>T, p.Glu1738Asp (NM_001321309.2); c.5535G>T, p.Glu1845Asp (NM_053026.4); c.5589G>T, p.Glu1863Asp (NM_053027.4); c.5382G>T, p.Glu1794Asp (NM_053028.4); c.459G>T, p.Glu153Asp (NM_053031.4); c.462G>T, p.Glu154Asp (NM_053032.4); short protein forms E1914D, E153D, E1845D, E1738D, E154D, E1794D, E1863D.
Identifiers: ClinVar variation 452981 (VCV000452981.2), dbSNP rs1553768506, ClinGen allele CA354228390.

ClinVar aggregate classification (germline): Uncertain significance (1 of 4 stars; one submission).

Submission:

GeneDx
Classification: Uncertain significance. Last evaluated: 2017-10-26. Review status: criteria provided, single submitter. Criteria: GeneDx Variant Classification (06012015). Collection method: clinical testing. Allele origin: germline. Affected: yes.
Comment: A variant of uncertain significance has been identified in the MYLK gene. The E1914D variant has not been published as pathogenic or been reported as benign to our knowledge. The E1914D variant is not observed in large population cohorts (Lek et al., 2016). Additionally, this substitution occurs at a position that is conserved in mammals and in silico analysis predicts this variant is probably damaging to the protein structure/function. However, the E1914D variant is a conservative amino acid substitution, which is not likely to impact secondary protein structure as these residues share similar properties.